The following is an entry in ClinVar:

ClinVar aggregate classification (germline): Uncertain significance (1 of 4 stars; one submission).

Conditions:
Saldino-Mainzer syndrome (SRTD9). Also called: CONORENAL SYNDROME; SHORT-RIB THORACIC DYSPLASIA 9 WITHOUT POLYDACTYLY; short-rib thoracic dysplasia 9 with or without polydactyly; Renal dysplasia, retinal pigmentary dystrophy, cerebellar ataxia and skeletal dysplasia. Identifiers: Orphanet 140969, MedGen C1849437, MONDO:0009964, OMIM 266920.

Submission:

Labcorp Genetics (formerly Invitae), Labcorp
Classification: Uncertain significance for Saldino-Mainzer syndrome. Last evaluated: 2019-11-04. Review status: criteria provided, single submitter. Criteria: Invitae Variant Classification Sherloc (09022015). Collection method: clinical testing. Allele origin: germline.
Comment: This variant has not been reported in the literature in individuals with IFT140-related conditions. This variant is not present in population databases (ExAC no frequency). This sequence change replaces histidine with glutamine at codon 215 of the IFT140 protein (p.His215Gln). The histidine residue is moderately conserved and there is a small physicochemical difference between histidine and glutamine. Algorithms developed to predict the effect of missense changes on protein structure and function are either unavailable or do not agree on the potential impact of this missense change (SIFT: "Deleterious"; PolyPhen-2: "Benign"; Align-GVGD: "Class C0"). In summary, the available evidence is currently insufficient to determine the role of this variant in disease. Therefore, it has been classified as a Variant of Uncertain Significance. Algorithms developed to predict the effect of sequence changes on RNA splicing suggest that this variant may create or strengthen a splice site, but this prediction has not been confirmed by published transcriptional studies.

NM_014714.4(IFT140):c.645C>G (p.His215Gln)

Genes: IFT140 (intraflagellar transport 140; minus strand), LOC105371046 (uncharacterized LOC105371046; plus strand). Cytogenetic location: 16p13.3.
Variant type: single nucleotide variant.
Coding change: c.645C>G on transcript NM_014714.4 (MANE Select); coding-DNA position 645, C replaced by G.
Protein change: p.His215Gln; replaces histidine 215 with glutamine.
Molecular consequence: missense variant.
Genome position (GRCh38, 1-based): chr16:1,589,770, G>C on the plus strand (C>G on the coding strand, the complement: IFT140 is on the minus strand). VCF-style: chr16-1589770-G-C. GRCh37 (hg19) VCF-style: chr16-1639771-G-C.
Other names: short protein forms H215Q.
Identifiers: ClinVar variation 961047 (VCV000961047.7), dbSNP rs2035078296, ClinGen allele CA394219008.